The following is an entry in ClinVar:

NM_000051.4(ATM):c.6604T>G (p.Tyr2202Asp)

Genes: ATM (ATM serine/threonine kinase; plus strand), C11orf65 (chromosome 11 open reading frame 65; minus strand). Cytogenetic location: 11q22.3.
Variant type: single nucleotide variant.
Coding change: c.6604T>G on transcript NM_000051.4 (MANE Select); coding-DNA position 6604, T replaced by G.
Protein change: p.Tyr2202Asp; replaces tyrosine 2202 with aspartic acid.
Molecular consequence: missense variant. On other transcripts: intron variant (2).
Genome position (GRCh38, 1-based): chr11:108,325,341, T>G. VCF-style: chr11-108325341-T-G. GRCh37 (hg19) VCF-style: chr11-108196068-T-G.
Other names: p.Y2202D:TAT>GAT; c.6604T>G, p.Tyr2202Asp (NM_001351834.2); c.641-16270A>C (NM_001330368.2); c.*38+9879A>C (NM_001351110.2); short protein forms Y2202D.
Identifiers: ClinVar variation 181882 (VCV000181882.86), dbSNP rs730881311, ClinGen allele CA298028.
Genomic context (GRCh38, chr11:108,325,341, plus strand): 5'-TTACATGAACTCTATGTCGTGGCATTCAGATCAGTCACACATAGACAACTCTCTGAAGTA[T>G]ATATTAAGTGGCAGAAACACTCCCAGCTTCTCAAGGACAGTGATTTTAGTTTTCAGGAGC-3'
Protein context (NP_000042.3, residues 2192-2212): SVTHRQLSEV[Tyr2202Asp]IKWQKHSQLL

ClinVar aggregate classification (germline): Conflicting classifications of pathogenicity. Review status: criteria provided, conflicting classifications (1 of 4 stars). 16 submissions from 16 submitters: Uncertain significance (13); Likely benign (1). 2 of the submissions do not count toward it. Last evaluated 2026-01-28.

Conditions:
Familial cancer of breast. Also called: hereditary breast carcinoma; BREAST CANCER, FAMILIAL; Hereditary breast cancer. Identifiers: Orphanet 227535, MedGen C0346153, MONDO:0016419, OMIM 114480. Disease mechanism: loss of function.
Ataxia-telangiectasia syndrome (AT). Also called: ATAXIA-TELANGIECTASIA, COMPLEMENTATION GROUP A; ATAXIA-TELANGIECTASIA, FRESNO VARIANT; Ataxia-telangiectasia; Ataxia-telangiectasia, complementation group E; Cerebello-oculocutaneous telangiectasia; Immunodeficiency with ataxia telangiectasia. Identifiers: Orphanet 100, MedGen C0004135, MONDO:0008840, OMIM 208900.
Breast and/or ovarian cancer. Identifiers: MedGen CN221562.
Hereditary cancer-predisposing syndrome. Also called: Hereditary Cancer Syndrome; Tumor predisposition; Neoplastic Syndromes, Hereditary; Hereditary neoplastic syndrome. Identifiers: Orphanet 140162, MedGen C0027672, MeSH D009386, MONDO:0015356.

Allele frequency attached by ClinVar (database versions not stated): TOPMed 0.00005; ExAC 0.00002; gnomAD 0.00003; gnomAD exomes 0.00001.
gnomAD v4.1: 86 of 1,610,648 alleles (0.0053%); highest among the groups gnomAD compares: Non-Finnish European, 0.0071%; no homozygotes.

Submissions (16):

Labcorp Genetics (formerly Invitae), Labcorp
Classification: Uncertain significance for Ataxia-telangiectasia syndrome. Last evaluated: 2026-01-28. Review status: criteria provided, single submitter. Criteria: Invitae Variant Classification Sherloc (09022015). Collection method: clinical testing. Allele origin: germline.
Comment: This sequence change replaces tyrosine, which is neutral and polar, with aspartic acid, which is acidic and polar, at codon 2202 of the ATM protein (p.Tyr2202Asp). This variant is present in population databases (rs730881311, gnomAD 0.007%). This missense change has been observed in individual(s) with breast cancer and/or head and neck squamous carcinoma (PMID: 26689913, 29522266). ClinVar contains an entry for this variant (Variation ID: 181882). Invitae Evidence Modeling of protein sequence and biophysical properties (such as structural, functional, and spatial information, amino acid conservation, physicochemical variation, residue mobility, and thermodynamic stability) has been performed for this missense variant. However, the output from this modeling did not meet the statistical confidence thresholds required to predict the impact of this variant on ATM protein function. In summary, the available evidence is currently insufficient to determine the role of this variant in disease. Therefore, it has been classified as a Variant of Uncertain Significance.

Ambry Genetics
Classification: Uncertain significance for Hereditary cancer-predisposing syndrome. Last evaluated: 2025-12-15. Review status: criteria provided, single submitter. Criteria: Ambry Variant Classification Scheme 2023. Collection method: clinical testing. Allele origin: germline.
Comment: The p.Y2202D variant (also known as c.6604T>G), located in coding exon 45 of the ATM gene, results from a T to G substitution at nucleotide position 6604. The tyrosine at codon 2202 is replaced by aspartic acid, an amino acid with highly dissimilar properties. In an assay testing ATM function, this variant showed a functionally normal result (Lee KS et al. Cell, 2025 Sep;188:5081-5099.e27). This amino acid position is well conserved in available vertebrate species. In addition, this alteration is predicted to be deleterious by in silico analysis. Based on the available evidence, the clinical significance of this variant remains unclear.

Quest Diagnostics Nichols Institute San Juan Capistrano
Classification: Uncertain significance. Last evaluated: 2025-06-12. Review status: criteria provided, single submitter. Criteria: Quest Diagnostics criteria. Collection method: clinical testing. Allele origin: unknown.

GeneDx
Classification: Uncertain significance. Last evaluated: 2025-04-11. Review status: criteria provided, single submitter. Criteria: GeneDx Variant Classification Process June 2021. Collection method: clinical testing. Allele origin: germline. Affected: yes.
Comment: Not observed at significant frequency in large population cohorts (gnomAD); In silico analysis supports that this missense variant has a deleterious effect on protein structure/function; Observed in individuals with breast and other cancers (PMID: 24172824, 26689913, 29522266); This variant is associated with the following publications: (PMID: 24172824, 27720647, 29522266, 26689913, 33436325, 23532176)

Molecular Pathology, Peter Maccallum Cancer Centre
Classification: Uncertain significance for Ataxia-telangiectasia syndrome. Last evaluated: 2025-03-18. Review status: criteria provided, single submitter. Criteria: ACMG Guidelines, 2015. Collection method: clinical testing. Allele origin: germline. Inheritance: Autosomal recessive inheritance.

Center for Genomic Medicine, Rigshospitalet, Copenhagen University Hospital
Classification: Uncertain significance. Last evaluated: 2025-03-04. Review status: criteria provided, single submitter. Criteria: ACMG Guidelines, 2015. Collection method: clinical testing. Allele origin: germline.

Myriad Genetics, Inc.
Classification: Likely benign for Familial cancer of breast. Last evaluated: 2024-06-07. Review status: criteria provided, single submitter. Criteria: Myriad Autosomal Dominant, Autosomal Recessive and X-Linked Classification Criteria (2023). Collection method: clinical testing. Allele origin: unknown.
Comment: This variant is considered likely benign. This variant is strongly associated with less severe personal and family histories of cancer, typical for individuals without pathogenic variants in this gene [PMID: 25085752].

Baylor Genetics
Classification: Uncertain significance for Familial cancer of breast. Last evaluated: 2024-03-30. Review status: criteria provided, single submitter. Criteria: ACMG Guidelines, 2015. Collection method: clinical testing. Allele origin: unknown.

Color Diagnostics, LLC DBA Color Health
Classification: Uncertain significance for Hereditary cancer-predisposing syndrome. Last evaluated: 2024-03-27. Review status: criteria provided, single submitter. Criteria: ACMG Guidelines, 2015. Collection method: clinical testing. Allele origin: germline.
Comment: This missense variant replaces tyrosine with aspartic acid at codon 2202 of the ATM protein. Computational prediction is inconclusive regarding the impact of this variant on protein structure and function. To our knowledge, functional studies have not been reported for this variant. This variant has been reported in individuals affected with breast cancer (PMID: 28779002, 29522266) and head and neck squamous cell carcinoma (PMID: 26689913). In a large international case-control study, this variant was reported in 5/60461 breast cancer cases and 8/53453 controls (OR=0.553, 95%CI 0.181 to 1.689, p-value=0.406; PMID: 33471991). This variant has been identified in 3/251042 chromosomes in the general population by the Genome Aggregation Database (gnomAD). The available evidence is insufficient to determine the role of this variant in disease conclusively. Therefore, this variant is classified as a Variant of Uncertain Significance.

Blueprint Genetics
Classification: Uncertain significance. Last evaluated: 2023-10-19. Review status: criteria provided, single submitter. Criteria: ACMG Guidelines, 2015. Collection method: clinical testing. Allele origin: germline.

CHEO Genetics Diagnostic Laboratory, Children's Hospital of Eastern Ontario
Classification: Uncertain significance for Breast and/or ovarian cancer. Last evaluated: 2020-11-04. Review status: criteria provided, single submitter. Criteria: ACMG Guidelines, 2015. Collection method: clinical testing. Allele origin: germline.

Fulgent Genetics
Classification: Uncertain significance for Familial cancer of breast; Ataxia-telangiectasia syndrome. Last evaluated: 2018-10-31. Review status: criteria provided, single submitter. Criteria: ACMG Guidelines, 2015. Collection method: clinical testing. Allele origin: unknown.

Women's Health and Genetics/Laboratory Corporation of America, LabCorp
Classification: Uncertain significance. Last evaluated: 2018-04-23. Review status: criteria provided, single submitter. Criteria: LabCorp Variant Classification Summary - May 2015. Collection method: clinical testing. Allele origin: germline.
Comment: Variant summary: ATM c.6604T>G (p.Tyr2202Asp) results in a non-conservative amino acid change located in the PIK-related kinase, FAT domain (IPR003151) of the encoded protein sequence. Three of five in-silico tools predict a damaging effect of the variant on protein function. The variant allele was found at a frequency of 1.7e-05 in 121096 control chromosomes. This frequency is not higher than expected for a pathogenic variant in ATM causing Breast Cancer (1.7e-05 vs 0.001), allowing no conclusion about variant significance. The variant, c.6604T>G, has been reported in the literature in individuals affected with chronic lymphocytic leukemia and head and neck squamous cell carcinoma (Mansouri 2014, Lu 2015), however it also was found in women, older than age 70 years who have never had cancer (in the FLOSSIES database). These reports do not provide unequivocal conclusions about association of the variant with Breast Cancer. To our knowledge, no experimental evidence demonstrating an impact on protein function has been reported. Five clinical diagnostic laboratories have submitted clinical-significance assessments for this variant to ClinVar after 2014 without evidence for independent evaluation. All laboratories classified the variant as uncertain significance. Based on the evidence outlined above, the variant was classified as uncertain significance.

Genetic Services Laboratory, University of Chicago
Classification: Uncertain significance. Last evaluated: 2016-10-06. Review status: criteria provided, single submitter. Criteria: ACMG Guidelines, 2015. Collection method: clinical testing. Allele origin: germline. Affected: no.

Natera, Inc.
Classification: Uncertain significance for Ataxia-telangiectasia. Last evaluated: 2020-03-19. Review status: no assertion criteria provided. Collection method: clinical testing. Allele origin: germline. Not counted in ClinVar's aggregate classification.

Department of Pathology and Laboratory Medicine, Sinai Health System
Classification: Uncertain significance. Review status: no assertion criteria provided. Collection method: clinical testing. Allele origin: unknown. Affected: yes. Study: The Canadian Open Genetics Repository (COGR). Not counted in ClinVar's aggregate classification.
Comment: The ATM p.Tyr2202Asp variant was identified by Mansouri (2013) in an individual with chronic myelogenous leukemia. The variant was also identified in dbSNP (ID: rs730881311) as â€šÃ„ÃºWith Uncertain significance alleleâ€šÃ„Ã¹, and in ClinVar (as uncertain significance by GeneDx, Ambry Genetics, Invitae, University of Chicago, and Color Genomics). The variant was not identified in the Cosmic, MutDB, LOVD 3.0, or ATM-LOVD database. The variant was identified in control databases in 3 of 245856 chromosomes at a frequency of 0.00001 (Genome Aggregation Database Feb 27, 2017). The variant was observed in the following populations: African in 1 of 15300 chromosomes (freq: 0.00007), European (Non-Finnish) in 2 of 111502 chromosomes (freq: 0.000018); it was not observed in the Other, Latino, Ashkenazi Jewish, East Asian, Finnish, and South Asian populations. The variant occurs outside of the splicing consensus sequence and in silico or computational prediction software programs (SpliceSiteFinder, MaxEntScan, NNSPLICE, GeneSplicer, HumanSpliceFinder) do not predict a difference in splicing. The p.Tyr2202 residue is conserved in mammals but not in more distantly related organisms, and computational analyses (PolyPhen-2, SIFT, AlignGVGD, BLOSUM, MutationTaster) suggest that the variant may impact the protein; however, this information is not predictive enough to assume pathogenicity. In summary, based on the above information the clinical significance of this variant cannot be determined with certainty at this time. This variant is classified as a variant of uncertain significance.

Literature cited by the submitters: PubMed 26689913 (cited by 3 submitters); PubMed 29522266 (cited by 4 submitters); PubMed 28779002 (cited by 3 submitters); PubMed 32885271 (cited by Ambry Genetics); PubMed 33436325 (cited by Ambry Genetics and Center for Genomic Medicine, Rigshospitalet, Copenhagen University Hospital); PubMed 40580951 (cited by Ambry Genetics); PubMed 25085752 (cited by Myriad Genetics, Inc.); PubMed 24172824 (cited by Women's Health and Genetics/Laboratory Corporation of America, LabCorp).